The following is an entry in ClinVar:

NM_001378609.3(OTOGL):c.140G>T (p.Arg47Leu)

Gene: OTOGL (otogelin like; plus strand). Cytogenetic location: 12q21.31.
Variant type: single nucleotide variant.
Coding change: c.140G>T on transcript NM_001378609.3 (MANE Select); coding-DNA position 140, G replaced by T.
Protein change: p.Arg47Leu; replaces arginine 47 with leucine.
Molecular consequence: missense variant.
Genome position (GRCh38, 1-based): chr12:80,211,969, G>T. VCF-style: chr12-80211969-G-T. GRCh37 (hg19) VCF-style: chr12-80605749-G-T.
Other names: c.140G>T, p.Arg47Leu (NM_001368062.3, NM_001378610.3, NM_173591.7); short protein forms R47L.
Identifiers: ClinVar variation 3360412 (VCV003360412.2).
Genomic context (GRCh38, chr12:80,211,969, plus strand): 5'-GGGGCCTTTGACTGTACAAGTTCTTTTTGTTTTCTTCCAGAAACGGGTTTAATGAAAATC[G>T]ACAGAAAAGAGCTCTTTTAGCAGCACAGGTAGGTTATGCTTCAGGTGGAGAGAGAGGCAG-3'
Protein context (NP_001365538.2, residues 37-57): GTSKNGFNEN[Arg47Leu]QKRALLAAQF

ClinVar aggregate classification (germline): Uncertain significance (1 of 4 stars; one submission).

gnomAD v4.1: 4 of 1,576,050 alleles (0.00025%); highest among the groups gnomAD compares: South Asian, 0.0023%; no homozygotes.

Submission:

GeneDx
Classification: Uncertain significance. Last evaluated: 2025-07-15. Review status: criteria provided, single submitter. Criteria: GeneDx Variant Classification Process June 2021. Collection method: clinical testing. Allele origin: germline.
Comment: Not observed at significant frequency in large population cohorts (gnomAD); In silico analysis suggests that this missense variant does not alter protein structure/function; Has not been previously published as pathogenic or benign to our knowledge